The following is an entry in ClinVar:

NM_001184.4(ATR):c.3190C>A (p.Leu1064Met)

Gene: ATR (ATR checkpoint kinase; minus strand). Cytogenetic location: 3q23.
Variant type: single nucleotide variant.
Coding change: c.3190C>A on transcript NM_001184.4 (MANE Select); coding-DNA position 3190, C replaced by A.
Protein change: p.Leu1064Met; replaces leucine 1064 with methionine.
Molecular consequence: missense variant.
Genome position (GRCh38, 1-based): chr3:142,547,892, G>T on the plus strand (C>A on the coding strand, the complement: ATR is on the minus strand). VCF-style: chr3-142547892-G-T. GRCh37 (hg19) VCF-style: chr3-142266734-G-T.
Other names: c.2998C>A, p.Leu1000Met (NM_001354579.2); short protein forms L1064M, L1000M.
Identifiers: ClinVar variation 1728663 (VCV001728663.2), dbSNP rs757677799, ClinGen allele CA2650174.

ClinVar aggregate classification (germline): Uncertain significance (1 of 4 stars; one submission).

Conditions:
Inborn genetic diseases. Identifiers: MedGen C0950123, MeSH D030342.

Allele frequency attached by ClinVar (database versions not stated): gnomAD exomes below 0.00001; ExAC 0.00001; gnomAD 0.00001.
gnomAD v4.1: 2 of 1,613,676 alleles (0.00012%); highest among the groups gnomAD compares: Non-Finnish European, 0.00017%; no homozygotes.

Submission:

Ambry Genetics
Classification: Uncertain significance for Inborn genetic diseases. Last evaluated: 2024-03-01. Review status: criteria provided, single submitter. Criteria: Ambry Variant Classification Scheme 2023. Collection method: clinical testing. Allele origin: germline.
Comment: The p.L1064M variant (also known as c.3190C>A), located in coding exon 16 of the ATR gene, results from a C to A substitution at nucleotide position 3190. The leucine at codon 1064 is replaced by methionine, an amino acid with highly similar properties. This amino acid position is conserved. In addition, the in silico prediction for this alteration is inconclusive. Since supporting evidence is limited at this time, the clinical significance of this alteration remains unclear.